The following is an entry in ClinVar:

NM_020549.5(CHAT):c.745C>G (p.Leu249Val)

Gene: CHAT (choline O-acetyltransferase; plus strand). Cytogenetic location: 10q11.23.
Variant type: single nucleotide variant.
Coding change: c.745C>G on transcript NM_020549.5 (MANE Select); coding-DNA position 745, C replaced by G.
Protein change: p.Leu249Val; replaces leucine 249 with valine.
Molecular consequence: missense variant.
Genome position (GRCh38, 1-based): chr10:49,622,143, C>G. VCF-style: chr10-49622143-C-G. GRCh37 (hg19) VCF-style: chr10-50830189-C-G.
Other names: c.391C>G, p.Leu131Val (NM_001142929.2, NM_001142934.2, NM_020984.4 and 2 more transcripts); c.499C>G, p.Leu167Val (NM_001142933.2); short protein forms L131V, L249V, L167V.
Identifiers: ClinVar variation 210707 (VCV000210707.22), dbSNP rs115510708, ClinGen allele CA209681.

ClinVar aggregate classification (germline): Benign/Likely benign. Review status: criteria provided, multiple submitters, no conflicts (2 of 4 stars). 6 submissions from 6 submitters: Benign (1); Likely benign (4). 1 of the submissions does not count toward it. Last evaluated 2026-01-31.

Conditions:
Familial infantile myasthenia (CMS6). Also called: MYASTHENIC SYNDROME, PRESYNAPTIC, CONGENITAL, ASSOCIATED WITH EPISODIC APNEA; Congenital myasthenic syndrome type 6; MYASTHENIC SYNDROME, CONGENITAL, 6, PRESYNAPTIC. Identifiers: Orphanet 590, MedGen C0393929, MONDO:0009689, OMIM 254210.
CHAT-related disorder. Also called: CHAT-related condition.

Allele frequency attached by ClinVar (database versions not stated): gnomAD exomes 0.00079; ExAC 0.00097; 1000 Genomes Project 0.00260; 1000 Genomes Project 30x 0.00281; TOPMed 0.00347; gnomAD 0.00364 and 0.00392; ESP Exome Variant Server 0.00392.
gnomAD v4.1: 976 of 1,553,504 alleles (0.063%); highest among the groups gnomAD compares: African/African-American, 1.2%; 7 homozygotes.

Submissions (6):

Labcorp Genetics (formerly Invitae), Labcorp
Classification: Benign for Familial infantile myasthenia. Last evaluated: 2026-01-31. Review status: criteria provided, single submitter. Criteria: Invitae Variant Classification Sherloc (09022015). Collection method: clinical testing. Allele origin: germline.

Fulgent Genetics
Classification: Likely benign for Familial infantile myasthenia. Last evaluated: 2021-08-24. Review status: criteria provided, single submitter. Criteria: ACMG Guidelines, 2015. Collection method: clinical testing. Allele origin: unknown.

GeneDx
Classification: Likely benign. Last evaluated: 2020-06-29. Review status: criteria provided, single submitter. Criteria: GeneDx Variant Classification Process June 2021. Collection method: clinical testing. Allele origin: germline. Affected: yes.

Genetic Services Laboratory, University of Chicago
Classification: Likely benign. Last evaluated: 2015-01-14. Review status: criteria provided, single submitter. Criteria: ACMG Guidelines, 2015. Collection method: clinical testing. Allele origin: germline.

Breakthrough Genomics
Classification: Likely benign. Review status: criteria provided, single submitter. Criteria: ACMG Guidelines, 2015. Collection method: not provided. Allele origin: germline. Inheritance: Autosomal recessive inheritance. Affected: yes.

PreventionGenetics, part of Exact Sciences
Classification: Benign for CHAT-related condition. Last evaluated: 2020-10-12. Review status: no assertion criteria provided. Collection method: clinical testing. Allele origin: germline. Not counted in ClinVar's aggregate classification.
Comment: This variant is classified as benign based on ACMG/AMP sequence variant interpretation guidelines (Richards et al. 2015 PMID: 25741868, with internal and published modifications).